The following is an entry in ClinVar:

NM_001854.4(COL11A1):c.2804C>A (p.Pro935His)

Gene: COL11A1 (collagen type XI alpha 1 chain; minus strand). Cytogenetic location: 1p21.1.
Variant type: single nucleotide variant.
Coding change: c.2804C>A on transcript NM_001854.4 (MANE Select); coding-DNA position 2804, C replaced by A.
Protein change: p.Pro935His; replaces proline 935 with histidine.
Molecular consequence: missense variant. On other transcripts: non-coding transcript variant (1).
Genome position (GRCh38, 1-based): chr1:102,974,834, G>T on the plus strand (C>A on the coding strand, the complement: COL11A1 is on the minus strand). VCF-style: chr1-102974834-G-T. GRCh37 (hg19) VCF-style: chr1-103440390-G-T.
Other names: c.2687C>A, p.Pro896His (NM_001190709.2); c.2840C>A, p.Pro947His (NM_080629.3); c.2456C>A, p.Pro819His (NM_080630.4); short protein forms P935H, P947H, P819H, P896H.
Identifiers: ClinVar variation 547207 (VCV000547207.7), dbSNP rs368422725, ClinGen allele CA27701963.

ClinVar aggregate classification (germline): Conflicting classifications of pathogenicity. Review status: criteria provided, conflicting classifications (1 of 4 stars). 3 submissions from 3 submitters: Uncertain significance (2); Likely benign (1). Last evaluated 2025-10-14.

Conditions:
Connective tissue disorder. Also called: Connective tissue disease. Identifiers: MedGen C0009782, MONDO:0003900.

Allele frequency attached by ClinVar (database versions not stated): gnomAD 0.00001; gnomAD exomes 0.00001; TOPMed 0.00002.
gnomAD v4.1: 8 of 1,612,426 alleles (0.0005%); highest among the groups gnomAD compares: Non-Finnish European, 0.00068%; no homozygotes.

Submissions (3):

Labcorp Genetics (formerly Invitae), Labcorp
Classification: Likely benign. Last evaluated: 2025-10-14. Review status: criteria provided, single submitter. Criteria: Invitae Variant Classification Sherloc (09022015). Collection method: clinical testing. Allele origin: germline.

GeneDx
Classification: Uncertain significance. Last evaluated: 2022-06-15. Review status: criteria provided, single submitter. Criteria: GeneDx Variant Classification Process June 2021. Collection method: clinical testing. Allele origin: germline. Affected: yes.
Comment: Has not been previously published as pathogenic or benign to our knowledge; Not observed at significant frequency in large population cohorts (gnomAD); In silico analysis supports that this missense variant has a deleterious effect on protein structure/function

Center for Human Genetics, Inc
Classification: Uncertain significance for Connective tissue disorder. Last evaluated: 2016-11-01. Review status: criteria provided, single submitter. Criteria: ACMG Guidelines, 2015. Collection method: clinical testing. Allele origin: germline. Affected: yes.